The following is an entry in ClinVar:

ClinVar aggregate classification (germline): Uncertain significance (0 of 4 stars; one submission).

Conditions:
LMBRD2-related disorder.

gnomAD v4.1: 23 of 1,612,872 alleles (0.0014%); highest among the groups gnomAD compares: South Asian, 0.0044%; no homozygotes.

Submission:

PreventionGenetics, part of Exact Sciences
Classification: Uncertain significance for LMBRD2-related condition. Last evaluated: 2024-08-15. Review status: no assertion criteria provided. Collection method: clinical testing. Allele origin: germline.
Comment: The LMBRD2 c.1253C>T variant is predicted to result in the amino acid substitution p.Ala418Val. To our knowledge, this variant has not been reported in the literature. This variant is reported in 0.0033% of alleles in individuals of South Asian descent in gnomAD. At this time, the clinical significance of this variant is uncertain due to the absence of conclusive functional and genetic evidence.

NM_001007527.2(LMBRD2):c.1253C>T (p.Ala418Val)

Gene: LMBRD2 (LMBR1 domain containing 2; minus strand). Cytogenetic location: 5p13.2.
Variant type: single nucleotide variant.
Coding change: c.1253C>T on transcript NM_001007527.2 (MANE Select); coding-DNA position 1253, C replaced by T.
Protein change: p.Ala418Val; replaces alanine 418 with valine.
Molecular consequence: missense variant.
Genome position (GRCh38, 1-based): chr5:36,117,784, G>A on the plus strand (C>T on the coding strand, the complement: LMBRD2 is on the minus strand). VCF-style: chr5-36117784-G-A. GRCh37 (hg19) VCF-style: chr5-36117886-G-A.
Other names: short protein forms A418V.
Identifiers: ClinVar variation 3353300 (VCV003353300.1).